The following is an entry in ClinVar:

NM_001267550.2(TTN):c.50307C>T (p.Asp16769=)

Genes: TTN (titin; minus strand), TTN-AS1 (TTN antisense RNA 1; plus strand). Cytogenetic location: 2q31.2.
Variant type: single nucleotide variant.
Coding change: c.50307C>T on transcript NM_001267550.2 (MANE Select); coding-DNA position 50307, C replaced by T.
Protein change: p.Asp16769=; no amino-acid change (aspartic acid 16769 retained).
Molecular consequence: synonymous variant.
Genome position (GRCh38, 1-based): chr2:178,612,104, G>A on the plus strand (C>T on the coding strand, the complement: TTN is on the minus strand). VCF-style: chr2-178612104-G-A. GRCh37 (hg19) VCF-style: chr2-179476831-G-A.
Other names: c.45384C>T, p.Asp15128= (NM_001256850.1); c.23112C>T, p.Asp7704= (NM_003319.4); c.42603C>T, p.Asp14201= (NM_133378.4); c.23487C>T, p.Asp7829= (NM_133432.3); c.23688C>T, p.Asp7896= (NM_133437.4).
Identifiers: ClinVar variation 1088412 (VCV001088412.7), dbSNP rs757648293, ClinGen allele CA1994399.

ClinVar aggregate classification (germline): Likely benign. Review status: criteria provided, multiple submitters, no conflicts (2 of 4 stars). 2 submissions from 2 submitters: Likely benign (2). Last evaluated 2025-09-24.

Conditions:
TTN-related disorder. Also called: TTN-related disorders; TTN-related condition; TTN-related disease.
Dilated cardiomyopathy 1G (CMD1G). Identifiers: Orphanet 154, MedGen C1858763, MONDO:0011400, OMIM 604145.
Autosomal recessive limb-girdle muscular dystrophy type 2J (LGMDR10). Also called: Limb-girdle muscular dystrophy, type 2J; MUSCULAR DYSTROPHY, LIMB-GIRDLE, AUTOSOMAL RECESSIVE 10. Identifiers: Orphanet 140922, MedGen C1837342, MONDO:0012127, OMIM 608807.

gnomAD v4.1: 4 of 1,611,904 alleles (0.00025%); highest among the groups gnomAD compares: East Asian, 0.0022%; no homozygotes.

Submissions (2):

PreventionGenetics, part of Exact Sciences
Classification: Likely benign for TTN-related condition. Last evaluated: 2025-09-24. Review status: criteria provided, single submitter. Criteria: ACMG Guidelines, 2015. Collection method: clinical testing. Allele origin: germline.
Comment: This variant is classified as likely benign based on ACMG/AMP sequence variant interpretation guidelines (Richards et al. 2015 PMID: 25741868, with internal and published modifications).

Labcorp Genetics (formerly Invitae), Labcorp
Classification: Likely benign for Dilated cardiomyopathy 1G; Autosomal recessive limb-girdle muscular dystrophy type 2J. Last evaluated: 2025-03-31. Review status: criteria provided, single submitter. Criteria: Invitae Variant Classification Sherloc (09022015). Collection method: clinical testing. Allele origin: germline.